The following is an entry in ClinVar:

NM_000551.4(VHL):c.218A>T (p.Gln73Leu)

Gene: VHL (von Hippel-Lindau tumor suppressor; plus strand). Cytogenetic location: 3p25.3.
Variant type: single nucleotide variant.
Coding change: c.218A>T on transcript NM_000551.4 (MANE Select); coding-DNA position 218, A replaced by T.
Protein change: p.Gln73Leu; replaces glutamine 73 with leucine.
Molecular consequence: missense variant.
Genome position (GRCh38, 1-based): chr3:10,142,065, A>T. VCF-style: chr3-10142065-A-T. GRCh37 (hg19) VCF-style: chr3-10183749-A-T.
Other names: c.218A>T, p.Gln73Leu (NM_001354723.2, NM_198156.3); short protein forms Q73L.
Identifiers: ClinVar variation 859253 (VCV000859253.12), dbSNP rs1295818809, ClinGen allele CA351749113.

ClinVar aggregate classification (germline): Uncertain significance (1 of 4 stars; one submission).

Conditions:
Chuvash polycythemia. Also called: POLYCYTHEMIA, VHL-DEPENDENT. Identifiers: Orphanet 238557, MedGen C1837915, MONDO:0009892, OMIM 263400.
Von Hippel-Lindau syndrome (VHLS). Also called: VHL syndrome; von Hippel–Lindau syndrome; Von Hippel-Lindau. Identifiers: Orphanet 892, MedGen C0019562, MONDO:0008667, OMIM 193300. Disease mechanism: loss of function.

Submission:

Labcorp Genetics (formerly Invitae), Labcorp
Classification: Uncertain significance for Von Hippel-Lindau syndrome; Chuvash polycythemia. Last evaluated: 2024-10-07. Review status: criteria provided, single submitter. Criteria: Invitae Variant Classification Sherloc (09022015). Collection method: clinical testing. Allele origin: germline.
Comment: This sequence change replaces glutamine, which is neutral and polar, with leucine, which is neutral and non-polar, at codon 73 of the VHL protein (p.Gln73Leu). This variant is not present in population databases (gnomAD no frequency). This variant has not been reported in the literature in individuals affected with VHL-related conditions. ClinVar contains an entry for this variant (Variation ID: 859253). Invitae Evidence Modeling of protein sequence and biophysical properties (such as structural, functional, and spatial information, amino acid conservation, physicochemical variation, residue mobility, and thermodynamic stability) indicates that this missense variant is expected to disrupt VHL protein function with a positive predictive value of 95%. In summary, the available evidence is currently insufficient to determine the role of this variant in disease. Therefore, it has been classified as a Variant of Uncertain Significance.